The following is an entry in ClinVar:

ClinVar aggregate classification (germline): Uncertain significance. Review status: criteria provided, multiple submitters, no conflicts (2 of 4 stars). 2 submissions from 2 submitters: Uncertain significance (2). Last evaluated 2025-08-02.

Conditions:
Inborn genetic diseases. Identifiers: MedGen C0950123, MeSH D030342.
Cryptosporidiosis-chronic cholangitis-liver disease syndrome. Also called: Immunodeficiency type 56; IL21R immunodeficiency. Identifiers: Orphanet 357329, MedGen C3554687, MONDO:0014082, OMIM 615207.

Allele frequency attached by ClinVar (database versions not stated): gnomAD exomes below 0.00001 and 0.00001.
gnomAD v4.1: 12 of 1,613,454 alleles (0.00074%); highest among the groups gnomAD compares: Non-Finnish European, 0.001%; no homozygotes.

Submissions (2):

Ambry Genetics
Classification: Uncertain significance for Inborn genetic diseases. Last evaluated: 2025-08-02. Review status: criteria provided, single submitter. Criteria: Ambry Variant Classification Scheme 2023. Collection method: clinical testing. Allele origin: germline.

Labcorp Genetics (formerly Invitae), Labcorp
Classification: Uncertain significance for Cryptosporidiosis-chronic cholangitis-liver disease syndrome. Last evaluated: 2019-10-21. Review status: criteria provided, single submitter. Criteria: Invitae Variant Classification Sherloc (09022015). Collection method: clinical testing. Allele origin: germline.
Comment: This sequence change replaces alanine with aspartic acid at codon 355 of the IL21R protein (p.Ala355Asp). The alanine residue is moderately conserved and there is a moderate physicochemical difference between alanine and aspartic acid. In summary, the available evidence is currently insufficient to determine the role of this variant in disease. Therefore, it has been classified as a Variant of Uncertain Significance. Algorithms developed to predict the effect of missense changes on protein structure and function output the following: SIFT: "Tolerated"; PolyPhen-2: "Benign"; Align-GVGD: "Class C0". The aspartic acid amino acid residue is found in multiple mammalian species, suggesting that this missense change does not adversely affect protein function. These predictions have not been confirmed by published functional studies and their clinical significance is uncertain. This variant has not been reported in the literature in individuals with IL21R-related conditions. This variant is not present in population databases (ExAC no frequency).

NM_181078.3(IL21R):c.1064C>A (p.Ala355Asp)

Genes: IL21R (interleukin 21 receptor; plus strand), IL21R-AS1 (IL21R antisense RNA 1; minus strand). Cytogenetic location: 16p12.1.
Variant type: single nucleotide variant.
Coding change: c.1064C>A on transcript NM_181078.3 (MANE Select); coding-DNA position 1064, C replaced by A.
Protein change: p.Ala355Asp; replaces alanine 355 with aspartic acid.
Molecular consequence: missense variant. On other transcripts: non-coding transcript variant (1).
Genome position (GRCh38, 1-based): chr16:27,448,730, C>A. VCF-style: chr16-27448730-C-A. GRCh37 (hg19) VCF-style: chr16-27460051-C-A.
Other names: c.1064C>A, p.Ala355Asp (NM_021798.4); c.1130C>A, p.Ala377Asp (NM_181079.5); c.1130C>A (NM_181079.4); short protein forms A355D, A377D.
Identifiers: ClinVar variation 964238 (VCV000964238.9), dbSNP rs1217511255, ClinGen allele CA395307117.
Genomic context (GRCh38, chr16:27,448,730, plus strand): 5'-AAGAACCAGCAGAGCTGGTGGAGTCTGACGGTGTGCCCAAGCCCAGCTTCTGGCCGACAG[C>A]CCAGAACTCGGGGGGCTCAGCTTACAGTGAGGAGAGGGATCGGCCATACGGCCTGGTGTC-3'
Protein context (NP_851564.1, residues 345-365): GVPKPSFWPT[Ala355Asp]QNSGGSAYSE